The following is an entry in ClinVar:

NM_001609.4(ACADSB):c.426G>A (p.Gln142=)

Gene: ACADSB (acyl-CoA dehydrogenase short/branched chain; plus strand). Cytogenetic location: 10q26.13.
Variant type: single nucleotide variant.
Coding change: c.426G>A on transcript NM_001609.4 (MANE Select); coding-DNA position 426, G replaced by A.
Protein change: p.Gln142=; no amino-acid change (glutamine 142 retained).
Molecular consequence: synonymous variant.
Genome position (GRCh38, 1-based): chr10:123,040,588, G>A. VCF-style: chr10-123040588-G-A. GRCh37 (hg19) VCF-style: chr10-124800104-G-A.
Other names: c.120G>A, p.Gln40= (NM_001330174.3); c.426G>A (NM_001609.3).
Identifiers: ClinVar variation 1552010 (VCV001552010.10), dbSNP rs748754507, ClinGen allele CA5730706.

ClinVar aggregate classification (germline): Likely benign. Review status: criteria provided, single submitter (1 of 4 stars). 2 submissions from 2 submitters: Likely benign (1). 1 of the submissions does not count toward it. Last evaluated 2025-10-23.

Conditions:
ACADSB-related disorder. Also called: ACADSB-related condition.
Deficiency of 2-methylbutyryl-CoA dehydrogenase (ACADSB). Also called: 2-methylbutyryl-CoA dehydrogenase deficiency; SBCAD deficiency; 2-methylbutyric aciduria; Short branched-chain acyl-CoA dehydrogenase deficiency; 2-methylbutyrylglycinuria. Identifiers: Orphanet 79157, MedGen C1864912, MONDO:0012392, OMIM 610006, HP:0020147.

Allele frequency attached by ClinVar (database versions not stated): gnomAD exomes below 0.00001 and 0.00001; ExAC 0.00001; gnomAD 0.00001; TOPMed 0.00003.
gnomAD v4.1: 3 of 1,613,900 alleles (0.00019%); highest among the groups gnomAD compares: African/African-American, 0.004%; no homozygotes.

Submissions (2):

Labcorp Genetics (formerly Invitae), Labcorp
Classification: Likely benign for Deficiency of 2-methylbutyryl-CoA dehydrogenase. Last evaluated: 2025-10-23. Review status: criteria provided, single submitter. Criteria: Invitae Variant Classification Sherloc (09022015). Collection method: clinical testing. Allele origin: germline.

PreventionGenetics, part of Exact Sciences
Classification: Likely benign for ACADSB-related condition. Last evaluated: 2022-10-10. Review status: no assertion criteria provided. Collection method: clinical testing. Allele origin: germline. Not counted in ClinVar's aggregate classification.
Comment: This variant is classified as likely benign based on ACMG/AMP sequence variant interpretation guidelines (Richards et al. 2015 PMID: 25741868, with internal and published modifications).